The following is an entry in ClinVar:

ClinVar aggregate classification (germline): Likely pathogenic (1 of 4 stars; one submission).

Conditions:
Fabry disease. Also called: ALPHA-GALACTOSIDASE A DEFICIENCY; ANDERSON-FABRY DISEASE; CERAMIDE TRIHEXOSIDASE DEFICIENCY; GLA DEFICIENCY; HEREDITARY DYSTOPIC LIPIDOSIS; Angiokeratoma corporis diffusum. Identifiers: Orphanet 324, MedGen C0002986, MONDO:0010526, OMIM 301500, HP:0001071. Disease mechanism: Fabry disease is due to inactivating mutations in the X-linked GLA gene resulting in deficiency of the enzyme Alpha Galactosidase-A., loss of function.

Submission:

Genomenon, Inc
Classification: Likely pathogenic for Fabry disease. Last evaluated: 2026-09-08. Review status: criteria provided, single submitter. Criteria: Genomenon Sequence Variant Interpretation Standards - Updated. Collection method: curation. Allele origin: germline. Affected: yes.
Comment: GLA p.Cys52Phe (c.155G>T) is a missense variant that changes the amino acid at codon 52 from Cysteine to Phenylalanine. This variant has been observed in at least one proband with clinical features consistent with Fabry disease (PMID:36745055;39390597). The variant was found to segregate with disease in at least one affected family (PMID:39390597). This variant is located in a mutational hotspot and/or important functional domain. It is absent or not present at a significant frequency in gnomAD. In silico models predict that this variant is possibly or probably damaging. In conclusion, we classify GLA p.Cys52Phe (c.155G>T) as a likely pathogenic variant.

Literature cited by the submitters: PubMed 36745055; PubMed 39390597.

NM_000169.3(GLA):c.155G>T (p.Cys52Phe)

Genes: GLA (galactosidase alpha; minus strand), RPL36A-HNRNPH2 (RPL36A-HNRNPH2 readthrough; plus strand). Cytogenetic location: Xq22.1.
Variant type: single nucleotide variant.
Coding change: c.155G>T on transcript NM_000169.3 (MANE Select); coding-DNA position 155, G replaced by T.
Protein change: p.Cys52Phe; replaces cysteine 52 with phenylalanine.
Molecular consequence: missense variant. On other transcripts: non-coding transcript variant (3), intron variant (2).
Genome position (GRCh38, 1-based): chrX:101,407,749, C>A on the plus strand (G>T on the coding strand, the complement: GLA is on the minus strand). VCF-style: chrX-101407749-C-A. GRCh37 (hg19) VCF-style: chrX-100662737-C-A.
Other names: c.155G>T, p.Cys52Phe (NM_001406747.1, NM_001406748.1, NM_001406749.1); c.301-4187C>A (NM_001199973.2); c.178-4187C>A (NM_001199974.2); short protein forms C52F.
Identifiers: ClinVar variation 4087278 (VCV004087278.2).